The following is an entry in ClinVar:

ClinVar aggregate classification (germline): Pathogenic (1 of 4 stars; one submission).

Submission:

Labcorp Genetics (formerly Invitae), Labcorp
Classification: Pathogenic. Last evaluated: 2022-12-15. Review status: criteria provided, single submitter. Criteria: Invitae Variant Classification Sherloc (09022015). Collection method: clinical testing. Allele origin: unknown.
Comment: For these reasons, this variant has been classified as Pathogenic. This variant has not been reported in the literature in individuals affected with NDUFAF5-related conditions. This variant is a gross deletion of the genomic region encompassing exon(s) 1-7 of the NDUFAF5 gene, which includes the initiator codon. This deletion extends beyond the assayed region for this gene and therefore may encompass additional genes. It is expected to result in an absent or disrupted protein product. Loss-of-function variants in NDUFAF5 are known to be pathogenic (PMID: 26275793, 30473481, 32918965).

Literature cited by the submitters: PubMed 26275793; PubMed 30473481; PubMed 32918965.

NC_000020.10:g.(?_13765715)_(13782349_?)del

Gene: NDUFAF5 (NADH:ubiquinone oxidoreductase complex assembly factor 5; plus strand). Cytogenetic location: 20p12.1.
Variant type: Deletion.
Identifiers: ClinVar variation 3248348 (VCV003248348.1).